The following is an entry in ClinVar:

ClinVar aggregate classification (germline): Uncertain significance. Review status: criteria provided, single submitter (1 of 4 stars). 2 submissions from 2 submitters: Uncertain significance (1). 1 of the submissions does not count toward it. Last evaluated 2025-08-09.

Conditions:
ITGA2B-related disorder. Also called: ITGA2B-related condition; ITGA2B-related disorders.
Inborn genetic diseases. Identifiers: MedGen C0950123, MeSH D030342.

gnomAD v4.1: 2 of 1,613,570 alleles (0.00012%); highest among the groups gnomAD compares: Non-Finnish European, 0.00017%; no homozygotes.

Submissions (2):

Ambry Genetics
Classification: Uncertain significance for Inborn genetic diseases. Last evaluated: 2025-08-09. Review status: criteria provided, single submitter. Criteria: Ambry Variant Classification Scheme 2023. Collection method: clinical testing. Allele origin: germline.

PreventionGenetics, part of Exact Sciences
Classification: Uncertain significance for ITGA2B-related condition. Last evaluated: 2024-04-18. Review status: no assertion criteria provided. Collection method: clinical testing. Allele origin: germline. Not counted in ClinVar's aggregate classification.
Comment: The ITGA2B c.2166C>A variant is predicted to result in the amino acid substitution p.Asn722Lys. To our knowledge, this variant has not been reported in the literature or in a large population database, indicating this variant is rare. At this time, the clinical significance of this variant is uncertain due to the absence of conclusive functional and genetic evidence.

NM_000419.5(ITGA2B):c.2166C>A (p.Asn722Lys)

Gene: ITGA2B (integrin subunit alpha 2b; minus strand). Cytogenetic location: 17q21.31.
Variant type: single nucleotide variant.
Coding change: c.2166C>A on transcript NM_000419.5 (MANE Select); coding-DNA position 2166, C replaced by A.
Protein change: p.Asn722Lys; replaces asparagine 722 with lysine.
Molecular consequence: missense variant.
Genome position (GRCh38, 1-based): chr17:44,377,719, G>T on the plus strand (C>A on the coding strand, the complement: ITGA2B is on the minus strand). VCF-style: chr17-44377719-G-T. GRCh37 (hg19) VCF-style: chr17-42455087-G-T.
Other names: short protein forms N722K.
Identifiers: ClinVar variation 3347306 (VCV003347306.2).
Genomic context (GRCh38, chr17:44,377,719, plus strand): 5'-CCCTGGTGGAGACCCGGTACCACGACCCAGCAGCCTCACCTGGGCGTTCTTCTTCATGGG[G>T]TTGCCCAGCTCACACAGCACCACCCTGGTCTCATTCTCCTTCTTCTGATTACAGATGAGT-3'
Protein context (NP_000410.2, residues 712-732): ETRVVLCELG[Asn722Lys]PMKKNAQIGI